The following is an entry in ClinVar:

NM_000276.4(OCRL):c.1139T>C (p.Val380Ala)

Gene: OCRL (OCRL inositol polyphosphate-5-phosphatase; plus strand). Cytogenetic location: Xq26.1.
Variant type: single nucleotide variant.
Coding change: c.1139T>C on transcript NM_000276.4 (MANE Select); coding-DNA position 1139, T replaced by C.
Protein change: p.Val380Ala; replaces valine 380 with alanine.
Molecular consequence: missense variant.
Genome position (GRCh38, 1-based): chrX:129,562,681, T>C. VCF-style: chrX-129562681-T-C. GRCh37 (hg19) VCF-style: chrX-128696658-T-C.
Other names: c.1142T>C, p.Val381Ala (NM_001318784.2); c.1139T>C, p.Val380Ala (NM_001587.4); short protein forms V380A, V381A.
Identifiers: ClinVar variation 2805761 (VCV002805761.3), dbSNP rs2521890114, ClinGen allele CA414552897.
Genomic context (GRCh38, chrX:129,562,681, plus strand): 5'-TGAGATTTGTATTTCACAACACCACCTTTTGCATTGTCAATTCCCATCTGGCTGCACACG[T>C]GGAGGACTTTGAGAGAAGGAATCAAGATTATAAGGACATTTGTGCGAGAATGAGTTTTGT-3'
Protein context (NP_000267.2, residues 370-390): CIVNSHLAAH[Val380Ala]EDFERRNQDY

ClinVar aggregate classification (germline): Uncertain significance (1 of 4 stars; one submission).

Conditions:
Lowe syndrome (OCRL). Also called: LOWE OCULOCEREBRORENAL SYNDROME; PHOSPHATIDYLINOSITOL 4,5-BISPHOSPHATE 5-PHOSPHATASE DEFICIENCY; Oculocerebrorenal Syndrome. Identifiers: Orphanet 534, MedGen C0028860, MONDO:0010645, OMIM 309000.

Submission:

Labcorp Genetics (formerly Invitae), Labcorp
Classification: Uncertain significance for Lowe syndrome. Last evaluated: 2023-12-04. Review status: criteria provided, single submitter. Criteria: Invitae Variant Classification Sherloc (09022015). Collection method: clinical testing. Allele origin: germline.
Comment: This sequence change replaces valine, which is neutral and non-polar, with alanine, which is neutral and non-polar, at codon 380 of the OCRL protein (p.Val380Ala). This variant is not present in population databases (gnomAD no frequency). This variant has not been reported in the literature in individuals affected with OCRL-related conditions. Advanced modeling of protein sequence and biophysical properties (such as structural, functional, and spatial information, amino acid conservation, physicochemical variation, residue mobility, and thermodynamic stability) performed at Invitae indicates that this missense variant is not expected to disrupt OCRL protein function with a negative predictive value of 95%. In summary, the available evidence is currently insufficient to determine the role of this variant in disease. Therefore, it has been classified as a Variant of Uncertain Significance.